The following is an entry in ClinVar:

ClinVar aggregate classification (germline): Conflicting classifications of pathogenicity. Review status: criteria provided, conflicting classifications (1 of 4 stars). 2 submissions from 2 submitters: Uncertain significance (1); Likely benign (1). Last evaluated 2026-02-12.

Conditions:
Multiple endocrine neoplasia, type 2 (MEN2). Identifiers: Orphanet 653, MedGen C4048306, MONDO:0019003. Disease mechanism: gain of function.
Hereditary cancer-predisposing syndrome. Also called: Tumor predisposition; Hereditary Cancer Syndrome; Hereditary neoplastic syndrome; Neoplastic Syndromes, Hereditary. Identifiers: Orphanet 140162, MedGen C0027672, MeSH D009386, MONDO:0015356.

Submissions (2):

Ambry Genetics
Classification: Uncertain significance for Hereditary cancer-predisposing syndrome. Last evaluated: 2026-02-12. Review status: criteria provided, single submitter. Criteria: Ambry Variant Classification Scheme 2023. Collection method: clinical testing. Allele origin: germline.
Comment: The c.74-12_74-5delTACTTCCC intronic variant, located in intron 1 of the RET gene, results from a deletion of 8 nucleotides within intron 1 of the RET gene. This nucleotide region is not well conserved in available vertebrate species. Based on the available evidence, the clinical significance of this variant remains unclear.

Labcorp Genetics (formerly Invitae), Labcorp
Classification: Likely benign for Multiple endocrine neoplasia, type 2. Last evaluated: 2025-11-10. Review status: criteria provided, single submitter. Criteria: Invitae Variant Classification Sherloc (09022015). Collection method: clinical testing. Allele origin: germline.

NM_020975.6(RET):c.74-12_74-5del

Gene: RET (ret proto-oncogene; plus strand). Cytogenetic location: 10q11.21.
Variant type: Deletion.
Coding change: c.74-12_74-5del on transcript NM_020975.6 (MANE Select); 12 bases into the intron before coding-DNA position 74 through 5 bases into the intron before coding-DNA position 74, 8 bases deleted (TACTTCCC; older notation c.74-12_74-5delTACTTCCC).
Molecular consequence: intron variant.
Genome position (GRCh38, 1-based): chr10:43,100,447-43,100,454, TACTTCCC deleted; deleting any 8 consecutive bases within chr10:43,100,440-43,100,454 gives the same sequence; the c. name uses the placement nearest the transcript's 3' end. VCF-style (leftmost placement, unchanged base first): chr10-43100439-CACTTCCCT-C. GRCh37 (hg19) VCF-style: chr10-43595887-CACTTCCCT-C.
Other names: c.74-12_74-5del (NM_020630.7, NM_001406743.1, NM_001406744.1 and 32 more transcripts); c.74-8584_74-8577del (NM_001406784.1); c.74-11652_74-11645del (NM_001406794.1, NM_001406792.1, NM_001406793.1); c.74-12_74-5delTACTTCCC (NM_020975.4).
Identifiers: ClinVar variation 1626009 (VCV001626009.11), dbSNP rs2132655890, ClinGen allele CA2573145048.